The following is an entry in ClinVar:

ClinVar aggregate classification (germline): Uncertain significance (1 of 4 stars; one submission).

Allele frequency attached by ClinVar (database versions not stated): gnomAD exomes below 0.00001.
gnomAD v4.1: 1 of 1,613,052 alleles (0.000062%); highest among the groups gnomAD compares: Non-Finnish European, 0.000085%; no homozygotes.

Submission:

Ambry Genetics
Classification: Uncertain significance. Last evaluated: 2024-07-31. Review status: criteria provided, single submitter. Criteria: Ambry Variant Classification Scheme 2023. Collection method: clinical testing. Allele origin: germline.
Comment: The p.W45R variant (also known as c.133T>C), located in coding exon 2 of the ALPK2 gene, results from a T to C substitution at nucleotide position 133. The tryptophan at codon 45 is replaced by arginine, an amino acid with dissimilar properties. This amino acid position is conserved. In addition, this alteration is predicted to be deleterious by in silico analysis. Since supporting evidence is limited at this time, the clinical significance of this alteration remains unclear.

NM_052947.4(ALPK2):c.133T>C (p.Trp45Arg)

Gene: ALPK2 (alpha kinase 2; minus strand). Cytogenetic location: 18q21.32.
Variant type: single nucleotide variant.
Coding change: c.133T>C on transcript NM_052947.4 (MANE Select); coding-DNA position 133, T replaced by C.
Protein change: p.Trp45Arg; replaces tryptophan 45 with arginine.
Molecular consequence: missense variant.
Genome position (GRCh38, 1-based): chr18:58,607,416, A>G on the plus strand (T>C on the coding strand, the complement: ALPK2 is on the minus strand). VCF-style: chr18-58607416-A-G. GRCh37 (hg19) VCF-style: chr18-56274648-A-G.
Other names: short protein forms W45R.
Identifiers: ClinVar variation 1770342 (VCV001770342.3), dbSNP rs2518912992, ClinGen allele CA402556250.